The following is an entry in ClinVar:

ClinVar aggregate classification (germline): Likely benign. Review status: criteria provided, multiple submitters, no conflicts (2 of 4 stars). 2 submissions from 2 submitters: Likely benign (2). Last evaluated 2026-01-09.

Conditions:
Methylmalonic acidemia with homocystinuria, type cblJ (MAHCJ). Also called: METHYLMALONIC ACIDURIA AND HOMOCYSTINURIA, cblJ TYPE. Identifiers: Orphanet 369955, MedGen C3553915, MONDO:0013925, OMIM 614857.

Allele frequency attached by ClinVar (database versions not stated): ESP Exome Variant Server 0.00008; gnomAD 0.00025 and 0.00027; TOPMed 0.00027; ExAC 0.00029; gnomAD exomes 0.00033 and 0.00039.
gnomAD v4.1: 511 of 1,613,926 alleles (0.032%); highest among the groups gnomAD compares: Admixed American, 0.11%; no homozygotes.

Submissions (3):

Labcorp Genetics (formerly Invitae), Labcorp
Classification: Likely benign for Methylmalonic acidemia with homocystinuria, type cblJ. Last evaluated: 2026-01-09. Review status: criteria provided, single submitter. Criteria: Invitae Variant Classification Sherloc (09022015). Collection method: clinical testing. Allele origin: germline.

GeneDx
Classification: Likely benign. Last evaluated: 2018-04-26. Review status: criteria provided, single submitter. Criteria: GeneDx Variant Classification (06012015). Collection method: clinical testing. Allele origin: germline. Affected: yes.
Comment: This variant is considered likely benign or benign based on one or more of the following criteria: it is a conservative change, it occurs at a poorly conserved position in the protein, it is predicted to be benign by multiple in silico algorithms, and/or has population frequency not consistent with disease.

Dr. Peter K. Rogan Lab, Western University
No classification provided (evidence only). Condition: Familial cancer of breast. Review status: no classification provided. Collection method: in vitro. Allele origin: not applicable. Functional consequence: retained intron. Not counted in ClinVar's aggregate classification.

NM_005050.4(ABCD4):c.1083C>T (p.Cys361=)

Gene: ABCD4 (ATP binding cassette subfamily D member 4; minus strand). Cytogenetic location: 14q24.3.
Variant type: single nucleotide variant.
Coding change: c.1083C>T on transcript NM_005050.4 (MANE Select); coding-DNA position 1083, C replaced by T.
Protein change: p.Cys361=; no amino-acid change (cysteine 361 retained).
Molecular consequence: synonymous variant. On other transcripts: non-coding transcript variant (10).
Genome position (GRCh38, 1-based): chr14:74,292,322, G>A on the plus strand (C>T on the coding strand, the complement: ABCD4 is on the minus strand). VCF-style: chr14-74292322-G-A. GRCh37 (hg19) VCF-style: chr14-74759025-G-A.
Other names: c.957C>T, p.Cys319= (NM_001353591.2, NM_001353592.2); c.822C>T, p.Cys274= (NM_001353593.2); c.771C>T, p.Cys257= (NM_001353594.2); c.669C>T, p.Cys223= (NM_001353595.2, NM_001353596.2); c.618C>T, p.Cys206= (NM_001353597.2); c.606C>T, p.Cys202= (NM_001353598.2, NM_001353599.2, NM_001353600.2 and 2 more transcripts); c.294C>T, p.Cys98= (NM_001353602.2, NM_001353603.2, NM_001353604.2 and 6 more transcripts); c.1083C>T, p.Cys361= (NM_020325.3).
Identifiers: ClinVar variation 681957 (VCV000681957.12), dbSNP rs377583331, ClinGen allele CA7266942.